The following is an entry in ClinVar:

ClinVar aggregate classification (germline): Pathogenic (1 of 4 stars; one submission).

Conditions:
Intellectual developmental disorder 62. Also called: MENTAL RETARDATION, AUTOSOMAL DOMINANT 62; INTELLECTUAL DEVELOPMENTAL DISORDER, AUTOSOMAL DOMINANT 62. Identifiers: MedGen C5394083, MONDO:0032919, OMIM 618793.

Submission:

Institute for Clinical Genetics, University Hospital TU Dresden, University Hospital TU Dresden
Classification: Pathogenic for Intellectual developmental disorder 62. Last evaluated: 2023-10-11. Review status: criteria provided, single submitter. Criteria: ACMG Guidelines, 2015. Collection method: clinical testing. Allele origin: de novo. Affected: yes.
Comment: The above-mentioned nonsense variant DLG4 gene (NM_001365.4:c.849C>A, p.(Tyr283*)) leads to the termination of translation in exon 8 of 20 by a premature stop codon in the corresponding mRNA due to a base exchange. At the protein level, either a shortened, non-functional or functionally altered protein is formed or the mRNA is prematurely degraded by nonsense mediated mRNA decay (NMD), so that no protein is formed from the affected allele. This variant is not yet listed in the ClinVar database. In the gnomAD database, the variant has not yet been detected in healthy individuals. According to current ACMG recommendations for variant evaluation (PMID 25741868), the criteria PVS1, PM6 and PM2_SUP are fulfilled, resulting in an evaluation as a pathogenic variant (ACMG class 5).

NM_001321075.3(DLG4):c.720C>A (p.Tyr240Ter)

Gene: DLG4 (discs large MAGUK scaffold protein 4; minus strand). Cytogenetic location: 17p13.1.
Variant type: single nucleotide variant.
Coding change: c.720C>A on transcript NM_001321075.3 (MANE Select); coding-DNA position 720, C replaced by A.
Protein change: p.Tyr240Ter; replaces tyrosine 240 with a stop codon.
Molecular consequence: nonsense. On other transcripts: non-coding transcript variant (1).
Genome position (GRCh38, 1-based): chr17:7,202,970, G>T on the plus strand (C>A on the coding strand, the complement: DLG4 is on the minus strand). VCF-style: chr17-7202970-G-T. GRCh37 (hg19) VCF-style: chr17-7106289-G-T.
Other names: c.711C>A, p.Tyr237Ter (NM_001128827.4); c.840C>A, p.Tyr280Ter (NM_001321074.1); c.540C>A, p.Tyr180Ter (NM_001321076.3, NM_001321077.3); c.849C>A, p.Tyr283Ter (NM_001365.5); c.639C>A, p.Tyr213Ter (NM_001369566.3); short protein forms Y180*, Y213*, Y237*, Y240*, Y280*, Y283*.
Identifiers: ClinVar variation 4850079 (VCV004850079.1).